The following is an entry in ClinVar:

ClinVar aggregate classification (germline): Uncertain significance (1 of 4 stars; one submission).

Conditions:
Inborn genetic diseases. Identifiers: MedGen C0950123, MeSH D030342.

Submission:

Ambry Genetics
Classification: Uncertain significance for Inborn genetic diseases. Last evaluated: 2025-10-07. Review status: criteria provided, single submitter. Criteria: Ambry Variant Classification Scheme 2023. Collection method: clinical testing. Allele origin: germline.
Comment: The p.P746S variant (also known as c.2236C>T), located in coding exon 12 of the BMPR2 gene, results from a C to T substitution at nucleotide position 2236. The proline at codon 746 is replaced by serine, an amino acid with similar properties. This amino acid position is conserved. In addition, the in silico prediction for this alteration is inconclusive. Based on the available evidence, the clinical significance of this variant remains unclear.

NM_001204.7(BMPR2):c.2236C>T (p.Pro746Ser)

Gene: BMPR2 (bone morphogenetic protein receptor type 2; plus strand). Cytogenetic location: 2q33.2.
Variant type: single nucleotide variant.
Coding change: c.2236C>T on transcript NM_001204.7 (MANE Select); coding-DNA position 2236, C replaced by T.
Protein change: p.Pro746Ser; replaces proline 746 with serine.
Molecular consequence: missense variant.
Genome position (GRCh38, 1-based): chr2:202,555,901, C>T. VCF-style: chr2-202555901-C-T. GRCh37 (hg19) VCF-style: chr2-203420624-C-T.
Other names: short protein forms P746S.
Identifiers: ClinVar variation 4597221 (VCV004597221.1).